The following is an entry in ClinVar:

ClinVar aggregate classification (germline): Uncertain significance (1 of 4 stars; one submission).

gnomAD v4.1: 1 of 1,614,146 alleles (0.000062%); highest among the groups gnomAD compares: Non-Finnish European, 0.000085%; no homozygotes.

Submission:

Ambry Genetics
Classification: Uncertain significance. Last evaluated: 2023-11-27. Review status: criteria provided, single submitter. Criteria: Ambry Variant Classification Scheme 2023. Collection method: clinical testing. Allele origin: germline.
Comment: The p.T1347S variant (also known as c.4040C>G), located in coding exon 17 of the NPAT gene, results from a C to G substitution at nucleotide position 4040. The threonine at codon 1347 is replaced by serine, an amino acid with similar properties. This amino acid position is conserved. In addition, this alteration is predicted to be tolerated by in silico analysis. Since supporting evidence is limited at this time, the clinical significance of this alteration remains unclear.

NM_002519.3(NPAT):c.4040C>G (p.Thr1347Ser)

Gene: NPAT (nuclear protein, coactivator of histone transcription; minus strand). Cytogenetic location: 11q22.3.
Variant type: single nucleotide variant.
Coding change: c.4040C>G on transcript NM_002519.3 (MANE Select); coding-DNA position 4040, C replaced by G.
Protein change: p.Thr1347Ser; replaces threonine 1347 with serine.
Molecular consequence: missense variant.
Genome position (GRCh38, 1-based): chr11:108,161,046, G>C on the plus strand (C>G on the coding strand, the complement: NPAT is on the minus strand). VCF-style: chr11-108161046-G-C. GRCh37 (hg19) VCF-style: chr11-108031773-G-C.
Other names: c.4061C>G, p.Thr1354Ser (NM_001321307.1); short protein forms T1354S, T1347S.
Identifiers: ClinVar variation 1737284 (VCV001737284.2), dbSNP rs1303814262, ClinGen allele CA382509496.